The following is an entry in ClinVar:

NM_021815.5(SLC5A7):c.806A>G (p.Tyr269Cys)

Gene: SLC5A7 (solute carrier family 5 member 7; plus strand). Cytogenetic location: 2q12.3.
Variant type: single nucleotide variant.
Coding change: c.806A>G on transcript NM_021815.5 (MANE Select); coding-DNA position 806, A replaced by G.
Protein change: p.Tyr269Cys; replaces tyrosine 269 with cysteine.
Molecular consequence: missense variant.
Genome position (GRCh38, 1-based): chr2:108,006,113, A>G. VCF-style: chr2-108006113-A-G. GRCh37 (hg19) VCF-style: chr2-108622569-A-G.
Other names: c.806A>G, p.Tyr269Cys (NM_001305005.3); c.491A>G, p.Tyr164Cys (NM_001305006.3); c.65A>G, p.Tyr22Cys (NM_001305007.3); short protein forms Y269C, Y164C, Y22C.
Identifiers: ClinVar variation 2187910 (VCV002187910.4), dbSNP rs2467117725, ClinGen allele CA348113180.

ClinVar aggregate classification (germline): Uncertain significance (1 of 4 stars; one submission).

Conditions:
Congenital myasthenic syndrome 20. Also called: Myasthenic syndrome, congenital, 20, presynaptic. Identifiers: MedGen C4310694, MONDO:0014939, OMIM 617143.
Neuronopathy, distal hereditary motor, type 7A. Also called: HARPER-YOUNG MYOPATHY; HMN VIIA; Neuronopathy, distal hereditary motor, type viia; NEURONOPATHY, DISTAL HEREDITARY MOTOR, HARDING TYPE VIIA; NEUROPATHY, DISTAL HEREDITARY MOTOR, HARDING TYPE VIIA; Neuronopathy, distal hereditary motor, autosomal dominant 7. Identifiers: Orphanet 139589, MedGen C1834703, MONDO:0008024, OMIM 158580.

Allele frequency attached by ClinVar (database versions not stated): gnomAD exomes below 0.00001.
gnomAD v4.1: 1 of 1,614,134 alleles (0.000062%); highest among the groups gnomAD compares: Non-Finnish European, 0.000085%; no homozygotes.

Submission:

Labcorp Genetics (formerly Invitae), Labcorp
Classification: Uncertain significance for Neuronopathy, distal hereditary motor, type 7A; Congenital myasthenic syndrome 20. Last evaluated: 2022-04-15. Review status: criteria provided, single submitter. Criteria: Invitae Variant Classification Sherloc (09022015). Collection method: clinical testing. Allele origin: germline.
Comment: This sequence change replaces tyrosine, which is neutral and polar, with cysteine, which is neutral and slightly polar, at codon 269 of the SLC5A7 protein (p.Tyr269Cys). This variant is not present in population databases (gnomAD no frequency). In summary, the available evidence is currently insufficient to determine the role of this variant in disease. Therefore, it has been classified as a Variant of Uncertain Significance. Algorithms developed to predict the effect of missense changes on protein structure and function are either unavailable or do not agree on the potential impact of this missense change (SIFT: "Tolerated"; PolyPhen-2: "Possibly Damaging"; Align-GVGD: "Class C15"). This variant has not been reported in the literature in individuals affected with SLC5A7-related conditions.